The following is an entry in ClinVar:

ClinVar aggregate classification (germline): Pathogenic (1 of 4 stars; one submission).

Submission:

Labcorp Genetics (formerly Invitae), Labcorp
Classification: Pathogenic. Last evaluated: 2023-07-06. Review status: criteria provided, single submitter. Criteria: Invitae Variant Classification Sherloc (09022015). Collection method: clinical testing. Allele origin: unknown.
Comment: For these reasons, this variant has been classified as Pathogenic. A similar copy number variant has been observed in individual(s) with clinical features of NDUFAF2-related conditions (PMID: 30634555). This variant is a gross deletion of the genomic region encompassing exon(s) 1-2 of the NDUFAF2 gene, which includes the initiator codon. This deletion extends beyond the assayed region for this gene and therefore may encompass additional genes. It is expected to result in an absent or disrupted protein product. Loss-of-function variants in NDUFAF2 are known to be pathogenic (PMID: 18180188).

Literature cited by the submitters: PubMed 30634555; PubMed 18180188.

NC_000005.9:g.(?_60170442)_(60369061_?)del

Genes: ERCC8 (ERCC excision repair 8, CSA ubiquitin ligase complex subunit; minus strand), NDUFAF2 (NADH:ubiquinone oxidoreductase complex assembly factor 2; plus strand). Cytogenetic location: 5q12.1.
Variant type: Deletion.
Identifiers: ClinVar variation 3246569 (VCV003246569.1).